The following is an entry in ClinVar:

ClinVar aggregate classification (germline): Uncertain significance (1 of 4 stars; one submission).

Conditions:
Hereditary cancer-predisposing syndrome. Also called: Neoplastic Syndromes, Hereditary; Tumor predisposition; Hereditary neoplastic syndrome; Hereditary Cancer Syndrome. Identifiers: Orphanet 140162, MedGen C0027672, MeSH D009386, MONDO:0015356.

gnomAD v4.1: 1 of 1,613,892 alleles (0.000062%); highest among the groups gnomAD compares: Non-Finnish European, 0.000085%; no homozygotes.

Submission:

Ambry Genetics
Classification: Uncertain significance for Hereditary cancer-predisposing syndrome. Last evaluated: 2024-06-19. Review status: criteria provided, single submitter. Criteria: Ambry Variant Classification Scheme 2023. Collection method: clinical testing. Allele origin: germline.
Comment: The p.T35I variant (also known as c.104C>T), located in coding exon 2 of the SDHB gene, results from a C to T substitution at nucleotide position 104. The threonine at codon 35 is replaced by isoleucine, an amino acid with similar properties. This amino acid position is conserved. In addition, this alteration is predicted to be tolerated by in silico analysis. Based on the available evidence, the clinical significance of this variant remains unclear.

NM_003000.3(SDHB):c.104C>T (p.Thr35Ile)

Gene: SDHB (succinate dehydrogenase complex iron sulfur subunit B; minus strand). Cytogenetic location: 1p36.13.
Variant type: single nucleotide variant.
Coding change: c.104C>T on transcript NM_003000.3 (MANE Select); coding-DNA position 104, C replaced by T.
Protein change: p.Thr35Ile; replaces threonine 35 with isoleucine.
Molecular consequence: missense variant.
Genome position (GRCh38, 1-based): chr1:17,044,857, G>A on the plus strand (C>T on the coding strand, the complement: SDHB is on the minus strand). VCF-style: chr1-17044857-G-A. GRCh37 (hg19) VCF-style: chr1-17371352-G-A.
Other names: c.104C>T, p.Thr35Ile (NM_001407361.1); short protein forms T35I.
Identifiers: ClinVar variation 3316903 (VCV003316903.1).